The following is an entry in ClinVar:

ClinVar aggregate classification (germline): Likely benign. Review status: criteria provided, multiple submitters, no conflicts (2 of 4 stars). 4 submissions from 4 submitters: Likely benign (4). Last evaluated 2026-01-17.

Conditions:
Hereditary cancer-predisposing syndrome. Also called: Neoplastic Syndromes, Hereditary; Hereditary neoplastic syndrome; Hereditary Cancer Syndrome; Tumor predisposition. Identifiers: Orphanet 140162, MedGen C0027672, MeSH D009386, MONDO:0015356.
Hereditary diffuse gastric adenocarcinoma (HDGC). Also called: DIFFUSE GASTRIC AND LOBULAR BREAST CANCER SYNDROME. Identifiers: Orphanet 26106, MedGen C1708349, MONDO:0007648, OMIM 137215.

Allele frequency attached by ClinVar (database versions not stated): ExAC 0.00003; gnomAD exomes 0.00003 and 0.00006; gnomAD 0.00005; TOPMed 0.00005; 1000 Genomes Project 0.00020; 1000 Genomes Project 30x 0.00031.
gnomAD v4.1: 97 of 1,584,632 alleles (0.0061%); highest among the groups gnomAD compares: Non-Finnish European, 0.0079%; no homozygotes.

Submissions (4):

Labcorp Genetics (formerly Invitae), Labcorp
Classification: Likely benign. Last evaluated: 2026-01-17. Review status: criteria provided, single submitter. Criteria: Invitae Variant Classification Sherloc (09022015). Collection method: clinical testing. Allele origin: germline.

Myriad Genetics, Inc.
Classification: Likely benign for Hereditary diffuse gastric adenocarcinoma. Last evaluated: 2024-10-10. Review status: criteria provided, single submitter. Criteria: Myriad Autosomal Dominant, Autosomal Recessive and X-Linked Classification Criteria (2023). Collection method: clinical testing. Allele origin: unknown.
Comment: This variant is considered likely benign. This variant is intronic and is not expected to impact mRNA splicing.

Blueprint Genetics
Classification: Likely benign. Last evaluated: 2024-10-08. Review status: criteria provided, single submitter. Criteria: ACMG Guidelines, 2015. Collection method: clinical testing. Allele origin: germline.

Ambry Genetics
Classification: Likely benign for Hereditary cancer-predisposing syndrome. Last evaluated: 2023-04-11. Review status: criteria provided, single submitter. Criteria: Ambry Variant Classification Scheme 2023. Collection method: clinical testing. Allele origin: germline.

NM_001903.5(CTNNA1):c.1144-5A>G

Gene: CTNNA1 (catenin alpha 1; plus strand). Cytogenetic location: 5q31.2.
Variant type: single nucleotide variant.
Coding change: c.1144-5A>G on transcript NM_001903.5 (MANE Select); 5 bases into the intron before coding-DNA position 1144, A replaced by G.
Molecular consequence: intron variant.
Genome position (GRCh38, 1-based): chr5:138,887,485, A>G. VCF-style: chr5-138887485-A-G. GRCh37 (hg19) VCF-style: chr5-138223174-A-G.
Other names: c.1144-5A>G (NM_001323982.2, NM_001323984.2, NM_001290307.3 and 3 more transcripts); c.775-5A>G (NM_001290310.3); c.835-5A>G (NM_001290309.3); c.34-5A>G (NM_001323996.1, NM_001323993.1, NM_001324005.1 and 18 more transcripts); c.-364-5A>G (NM_001324007.1, NM_001324009.1, NM_001324006.1 and 1 more transcripts); c.-239-5A>G (NM_001324013.1); c.-58+11888A>G (NM_001324012.1); c.-61+11888A>G (NM_001324010.1).
Identifiers: ClinVar variation 699058 (VCV000699058.17), dbSNP rs201803579, ClinGen allele CA3431874.